The following is an entry in ClinVar:

ClinVar aggregate classification (germline): Uncertain significance (1 of 4 stars; one submission).

Conditions:
Early-infantile DEE. Also called: Early infantile epileptic encephalopathy; Ohtahara syndrome; Early infantile epileptic encephalopathy with suppression bursts. Identifiers: Orphanet 1934, MedGen C0393706, MONDO:0800491.

Allele frequency attached by ClinVar (database versions not stated): gnomAD 0.00001; TOPMed 0.00001; ExAC 0.00002; gnomAD exomes 0.00003; 1000 Genomes Project 30x 0.00016; 1000 Genomes Project 0.00020.
gnomAD v4.1: 10 of 1,614,124 alleles (0.00062%); highest among the groups gnomAD compares: East Asian, 0.0089%; no homozygotes.

Submission:

Labcorp Genetics (formerly Invitae), Labcorp
Classification: Uncertain significance for Early-infantile DEE. Last evaluated: 2025-06-09. Review status: criteria provided, single submitter. Criteria: Invitae Variant Classification Sherloc (09022015). Collection method: clinical testing. Allele origin: germline.
Comment: This sequence change replaces arginine, which is basic and polar, with histidine, which is basic and polar, at codon 1343 of the SPTAN1 protein (p.Arg1343His). This variant is present in population databases (rs539724071, gnomAD 0.02%). This missense change has been observed in individual(s) with clinical features of SPTAN1-related conditions (internal data). ClinVar contains an entry for this variant (Variation ID: 1390505). Invitae Evidence Modeling of protein sequence and biophysical properties (such as structural, functional, and spatial information, amino acid conservation, physicochemical variation, residue mobility, and thermodynamic stability) has been performed for this missense variant. However, the output from this modeling did not meet the statistical confidence thresholds required to predict the impact of this variant on SPTAN1 protein function. In summary, the available evidence is currently insufficient to determine the role of this variant in disease. Therefore, it has been classified as a Variant of Uncertain Significance.

NM_001130438.3(SPTAN1):c.4028G>A (p.Arg1343His)

Gene: SPTAN1 (spectrin alpha, non-erythrocytic 1; plus strand). Cytogenetic location: 9q34.11.
Variant type: single nucleotide variant.
Coding change: c.4028G>A on transcript NM_001130438.3 (MANE Select); coding-DNA position 4028, G replaced by A.
Protein change: p.Arg1343His; replaces arginine 1343 with histidine.
Molecular consequence: missense variant.
Genome position (GRCh38, 1-based): chr9:128,605,459, G>A. VCF-style: chr9-128605459-G-A. GRCh37 (hg19) VCF-style: chr9-131367738-G-A.
Other names: c.3968G>A, p.Arg1323His (NM_001195532.2, NM_001363765.2, NM_001375314.2); c.4028G>A, p.Arg1343His (NM_001363759.2, NM_001375310.1, NM_001375311.2 and 2 more transcripts); c.4064G>A, p.Arg1355His (NM_001375312.2, NM_001375318.1); short protein forms R1323H, R1343H, R1355H.
Identifiers: ClinVar variation 1390505 (VCV001390505.9), dbSNP rs539724071, ClinGen allele CA5265092.
Genomic context (GRCh38, chr9:128,605,459, plus strand): 5'-GCCTGGGGAAACGTGCAGATCAGCGCAAGGCAAAGTTGGGTGACTCCCACGACCTGCAGC[G>A]CTTCCTTAGCGATTTCCGGTACGGAGCCATGTTCACTCAGACTTCTGGAACATAGAGCCT-3'
Protein context (NP_001123910.1, residues 1333-1353): AKLGDSHDLQ[Arg1343His]FLSDFRDLMS